The following is an entry in ClinVar:

ClinVar aggregate classification (germline): Uncertain significance (1 of 4 stars; one submission).

Conditions:
Cardiovascular phenotype. Identifiers: MedGen CN230736.

Allele frequency attached by ClinVar (database versions not stated): ESP Exome Variant Server 0.00008.

Submission:

Ambry Genetics
Classification: Uncertain significance for Cardiovascular phenotype. Last evaluated: 2015-06-21. Review status: criteria provided, single submitter. Criteria: Ambry Variant Classification Scheme 2023. Collection method: clinical testing. Allele origin: germline.
Comment: The p.T430A variant (also known as c.1288A>G), located in coding exon 9 of the LDB3 gene, results from an A to G substitution at nucleotide position 1288. The threonine at codon 430 is replaced by alanine, an amino acid with similar properties. This variant was previously reported in the SNPDatabase as rs143163993. Based on data from the NHLBI Exome Sequencing Project (ESP), the G allele has an overall frequency of approximately 0.01% (1/13006) total alleles studied and 0.01% (1/8600) European American alleles. This amino acid position conserved in all available species except blowfish on a limited sequence alignment. In addition, this alteration is predicted to be tolerated by in silico analysis. Since supporting evidence is limited at this time, the clinical significance of this variant remains unclear.

NM_007078.3(LDB3):c.1288A>G (p.Thr430Ala)

Gene: LDB3 (LIM domain binding 3; plus strand). Cytogenetic location: 10q23.2.
Variant type: single nucleotide variant.
Coding change: c.1288A>G on transcript NM_007078.3 (MANE Select); coding-DNA position 1288, A replaced by G.
Protein change: p.Thr430Ala; replaces threonine 430 with alanine.
Molecular consequence: missense variant.
Genome position (GRCh38, 1-based): chr10:86,716,383, A>G. VCF-style: chr10-86716383-A-G. GRCh37 (hg19) VCF-style: chr10-88476140-A-G.
Other names: c.1288A>G (LRG_385t1); c.958A>G, p.Thr320Ala (NM_001080114.2); c.1303A>G, p.Thr435Ala (NM_001171610.2); c.1099A>G, p.Thr367Ala (NM_001368064.1, NM_001368065.1); c.1147A>G, p.Thr383Ala (NM_001368066.1); short protein forms T430A, T320A, T367A, T383A, T435A.
Identifiers: ClinVar variation 518881 (VCV000518881.5), dbSNP rs143163993, ClinGen allele CA5585114.